The following is an entry in ClinVar:

ClinVar aggregate classification (germline): Uncertain significance (1 of 4 stars; one submission).

gnomAD v4.1: 1 of 1,607,692 alleles (0.000062%); highest among the groups gnomAD compares: Non-Finnish European, 0.000085%; no homozygotes.

Submission:

GeneDx
Classification: Uncertain significance. Last evaluated: 2023-06-11. Review status: criteria provided, single submitter. Criteria: GeneDx Variant Classification Process June 2021. Collection method: clinical testing. Allele origin: germline. Affected: yes.
Comment: Not observed at significant frequency in large population cohorts (gnomAD); In silico analysis supports that this missense variant does not alter protein structure/function; Has not been previously published as pathogenic or benign to our knowledge

NM_005045.4(RELN):c.7679G>A (p.Arg2560Gln)

Gene: RELN (reelin; minus strand). Cytogenetic location: 7q22.1.
Variant type: single nucleotide variant.
Coding change: c.7679G>A on transcript NM_005045.4 (MANE Select); coding-DNA position 7679, G replaced by A.
Protein change: p.Arg2560Gln; replaces arginine 2560 with glutamine.
Molecular consequence: missense variant.
Genome position (GRCh38, 1-based): chr7:103,519,506, C>T on the plus strand (G>A on the coding strand, the complement: RELN is on the minus strand). VCF-style: chr7-103519506-C-T. GRCh37 (hg19) VCF-style: chr7-103159953-C-T.
Other names: c.7679G>A, p.Arg2560Gln (NM_173054.3); short protein forms R2560Q.
Identifiers: ClinVar variation 3359649 (VCV003359649.1).
Genomic context (GRCh38, chr7:103,519,506, plus strand): 5'-ATGAAGTAAAATTGGATGAACTCAGCATTAGTGAGGTTTAGATCCACAGTGACTAATAAT[C>T]GACTACAACCCTAAGAAAAAGAAGTAAAATAAAAAAAAGTGATAAGGAATCTCGATTGCA-3'
Protein context (NP_005036.2, residues 2550-2570): MALHFSGGCS[Arg2560Gln]LLVTVDLNLT